The following is an entry in ClinVar:

NM_014363.6(SACS):c.5747T>A (p.Val1916Asp)

Gene: SACS (sacsin molecular chaperone; minus strand). Cytogenetic location: 13q12.12.
Variant type: single nucleotide variant.
Coding change: c.5747T>A on transcript NM_014363.6 (MANE Select); coding-DNA position 5747, T replaced by A.
Protein change: p.Val1916Asp; replaces valine 1916 with aspartic acid.
Molecular consequence: missense variant.
Genome position (GRCh38, 1-based): chr13:23,338,129, A>T on the plus strand (T>A on the coding strand, the complement: SACS is on the minus strand). VCF-style: chr13-23338129-A-T. GRCh37 (hg19) VCF-style: chr13-23912268-A-T.
Other names: c.5306T>A, p.Val1769Asp (NM_001278055.2); short protein forms V1769D, V1916D.
Identifiers: ClinVar variation 2419029 (VCV002419029.6), dbSNP rs2542262076, ClinGen allele CA387524862.
Genomic context (GRCh38, chr13:23,338,129, plus strand): 5'-TCCCCACTAGTGGCCAGGTCCCGTAAGACACTCAGTACCTGTAAGTAAGCTTTCACAATA[A>T]CATGTCTCATGAACGTGGTATTCCATCGTCCTTTTGTATCTGTTTTCCAGATTTCTTTCC-3'
Protein context (NP_055178.3, residues 1906-1926): GRWNTTFMRH[Val1916Asp]IVKAYLQVLS

ClinVar aggregate classification (germline): Uncertain significance (1 of 4 stars; one submission).

Conditions:
Spastic paraplegia. Identifiers: MedGen C0037772, HP:0001258.

Submission:

Labcorp Genetics (formerly Invitae), Labcorp
Classification: Uncertain significance for Spastic paraplegia. Last evaluated: 2022-03-15. Review status: criteria provided, single submitter. Criteria: Invitae Variant Classification Sherloc (09022015). Collection method: clinical testing. Allele origin: germline.
Comment: This missense change has been observed in individual(s) with clinical features of SACS-related conditions (PMID: 31230722). In at least one individual the data is consistent with being in trans (on the opposite chromosome) from a pathogenic variant. It has also been observed to segregate with disease in related individuals. In summary, the available evidence is currently insufficient to determine the role of this variant in disease. Therefore, it has been classified as a Variant of Uncertain Significance. Algorithms developed to predict the effect of missense changes on protein structure and function are either unavailable or do not agree on the potential impact of this missense change (SIFT: "Deleterious"; PolyPhen-2: "Probably Damaging"; Align-GVGD: "Class C15"). This variant is not present in population databases (gnomAD no frequency). This sequence change replaces valine, which is neutral and non-polar, with aspartic acid, which is acidic and polar, at codon 1916 of the SACS protein (p.Val1916Asp).

Literature cited by the submitters: PubMed 31230722.